The following is an entry in ClinVar:

NM_000439.5(PCSK1):c.1292C>A (p.Ala431Glu)

Genes: CAST (calpastatin; plus strand), PCSK1 (proprotein convertase subtilisin/kexin type 1; minus strand), LOC101929710 (uncharacterized LOC101929710; plus strand). Cytogenetic location: 5q15.
Variant type: single nucleotide variant.
Coding change: c.1292C>A on transcript NM_000439.5 (MANE Select); coding-DNA position 1292, C replaced by A.
Protein change: p.Ala431Glu; replaces alanine 431 with glutamic acid.
Molecular consequence: missense variant.
Genome position (GRCh38, 1-based): chr5:96,400,091, G>T on the plus strand (C>A on the coding strand, the complement: PCSK1 is on the minus strand). VCF-style: chr5-96400091-G-T. GRCh37 (hg19) VCF-style: chr5-95735795-G-T.
Other names: c.1151C>A, p.Ala384Glu (NM_001177875.2); short protein forms A384E, A431E.
Identifiers: ClinVar variation 1507852 (VCV001507852.6), dbSNP rs753632965, ClinGen allele CA3350245.

ClinVar aggregate classification (germline): Uncertain significance (1 of 4 stars; one submission).

Allele frequency attached by ClinVar (database versions not stated): gnomAD 0.00001; gnomAD exomes 0.00002; ExAC 0.00004.
gnomAD v4.1: 25 of 1,614,008 alleles (0.0015%); highest among the groups gnomAD compares: South Asian, 0.025%; no homozygotes.

Submission:

Labcorp Genetics (formerly Invitae), Labcorp
Classification: Uncertain significance. Last evaluated: 2021-09-27. Review status: criteria provided, single submitter. Criteria: Invitae Variant Classification Sherloc (09022015). Collection method: clinical testing. Allele origin: germline.
Comment: In summary, the available evidence is currently insufficient to determine the role of this variant in disease. Therefore, it has been classified as a Variant of Uncertain Significance. Algorithms developed to predict the effect of missense changes on protein structure and function are either unavailable or do not agree on the potential impact of this missense change (SIFT: "Tolerated"; PolyPhen-2: "Probably Damaging"; Align-GVGD: "Class C15"). This variant has not been reported in the literature in individuals affected with PCSK1-related conditions. This variant is present in population databases (rs753632965, ExAC 0.03%), including at least one homozygous and/or hemizygous individual. This sequence change replaces alanine with glutamic acid at codon 431 of the PCSK1 protein (p.Ala431Glu). The alanine residue is moderately conserved and there is a moderate physicochemical difference between alanine and glutamic acid.